The following is an entry in ClinVar:

ClinVar aggregate classification (germline): Uncertain significance (1 of 4 stars; one submission).

Conditions:
Lower motor neuron syndrome with late-adult onset (SMAJ). Also called: Spinal muscular atrophy, Jokela type; Late-Onset Spinal Motor Neuronopathy (SMAJ). Identifiers: Orphanet 276435, MedGen C3554398, MONDO:0014025, OMIM 615048.
Frontotemporal dementia and/or amyotrophic lateral sclerosis 2. Also called: FTDALS2. Identifiers: Orphanet 275872, MedGen C4014648, MONDO:0014395, OMIM 615911.
Autosomal dominant mitochondrial myopathy with exercise intolerance (IMMD). Also called: Myopathy, isolated mitochondrial, autosomal dominant. Identifiers: Orphanet 457050, MedGen C4015513, MONDO:0014532, OMIM 616209.

Submission:

Labcorp Genetics (formerly Invitae), Labcorp
Classification: Uncertain significance for Lower motor neuron syndrome with late-adult onset; Frontotemporal dementia and/or amyotrophic lateral sclerosis 2; Autosomal dominant mitochondrial myopathy with exercise intolerance. Last evaluated: 2023-07-12. Review status: criteria provided, single submitter. Criteria: Invitae Variant Classification Sherloc (09022015). Collection method: clinical testing. Allele origin: unknown.
Comment: In summary, the available evidence is currently insufficient to determine the role of this variant in disease. Therefore, it has been classified as a Variant of Uncertain Significance. A similar copy number variant has been observed in individual(s) with clinical features of CHCHD10-related conditions (Invitae). A gross deletion of the genomic region encompassing the full coding sequence of the CHCHD10 gene has been identified. The current clinical and genetic evidence is not sufficient to establish whether loss-of-function variants in CHCHD10 cause disease. The boundaries of this event are unknown as they extend beyond the assayed region for this gene and therefore may encompass additional genes.

NC_000022.10:g.(?_24108194)_(24110061_?)del

Gene: CHCHD10 (coiled-coil-helix-coiled-coil-helix domain containing 10; minus strand). Cytogenetic location: 22q11.23.
Variant type: Deletion.
Identifiers: ClinVar variation 3247996 (VCV003247996.1).